The following is an entry in ClinVar:

NM_002473.6(MYH9):c.3322G>C (p.Glu1108Gln)

Gene: MYH9 (myosin heavy chain 9; minus strand). Cytogenetic location: 22q12.3.
Variant type: single nucleotide variant.
Coding change: c.3322G>C on transcript NM_002473.6 (MANE Select); coding-DNA position 3322, G replaced by C.
Protein change: p.Glu1108Gln; replaces glutamic acid 1108 with glutamine.
Molecular consequence: missense variant.
Genome position (GRCh38, 1-based): chr22:36,295,668, C>G on the plus strand (G>C on the coding strand, the complement: MYH9 is on the minus strand). VCF-style: chr22-36295668-C-G. GRCh37 (hg19) VCF-style: chr22-36691714-C-G.
Other names: short protein forms E1108Q.
Identifiers: ClinVar variation 3366279 (VCV003366279.1).
Genomic context (GRCh38, chr22:36,295,668, plus strand): 5'-TCCTGGAAGCACGCTCAGACTCCAGGTCTTCCTGGAGTTCAGAGATCTGAGATTCCAGCT[C>G]CCGGATCTTCTTGAGGGCCATGTTCTTCTGGGCAGCTTCCTCTTCCACTCTGCCAAAGCG-3'
Protein context (NP_002464.1, residues 1098-1118): QKNMALKKIR[Glu1108Gln]LESQISELQE

ClinVar aggregate classification (germline): Uncertain significance (1 of 4 stars; one submission).

gnomAD v4.1: 2 of 1,613,764 alleles (0.00012%); highest among the groups gnomAD compares: African/African-American, 0.0027%; no homozygotes.

Submission:

GeneDx
Classification: Uncertain significance. Last evaluated: 2023-10-26. Review status: criteria provided, single submitter. Criteria: GeneDx Variant Classification Process June 2021. Collection method: clinical testing. Allele origin: germline. Affected: yes.
Comment: Not observed at significant frequency in large population cohorts (gnomAD); In silico analysis supports that this missense variant has a deleterious effect on protein structure/function; Has not been previously published as pathogenic or benign to our knowledge